The following is an entry in ClinVar:

ClinVar aggregate classification (germline): Likely benign. Review status: criteria provided, multiple submitters, no conflicts (2 of 4 stars). 2 submissions from 2 submitters: Likely benign (2). Last evaluated 2026-09-23.

Conditions:
POLR3F-related condition.

Allele frequency attached by ClinVar (database versions not stated): gnomAD 0.00020; gnomAD exomes 0.00021; TOPMed 0.00022; ExAC 0.00025; ESP Exome Variant Server 0.00038.
gnomAD v4.1: 271 of 1,212,058 alleles (0.022%); highest among the groups gnomAD compares: Non-Finnish European, 0.006%; no homozygotes.

Submissions (6):

PreventionGenetics, part of Exact Sciences
Classification: Likely benign for POLR3F-related condition. Last evaluated: 2026-09-23. Review status: criteria provided, single submitter. Criteria: ACMG Guidelines, 2015. Collection method: clinical testing. Allele origin: germline.
Comment: This variant is classified as likely benign based on ACMG/AMP sequence variant interpretation guidelines (Richards et al. 2015 PMID: 25741868, with internal and published modifications).

Labcorp Genetics (formerly Invitae), Labcorp
Classification: Likely benign. Last evaluated: 2026-01-06. Review status: criteria provided, single submitter. Criteria: Invitae Variant Classification Sherloc (09022015). Collection method: clinical testing. Allele origin: germline.

Dr. Peter K. Rogan Lab, Western University
No classification provided (evidence only). Condition: Clear cell carcinoma of kidney. Review status: no classification provided. Collection method: in vitro. Allele origin: not applicable. Functional consequence: skipped exon. Not counted in ClinVar's aggregate classification.

Dr. Peter K. Rogan Lab, Western University
No classification provided (evidence only). Condition: Thyroid cancer, nonmedullary, 1. Review status: no classification provided. Collection method: in vitro. Allele origin: not applicable. Functional consequence: skipped exon. Not counted in ClinVar's aggregate classification.

Dr. Peter K. Rogan Lab, Western University
No classification provided (evidence only). Condition: Sarcoma. Review status: no classification provided. Collection method: in vitro. Allele origin: not applicable. Functional consequence: skipped exon. Not counted in ClinVar's aggregate classification.

Dr. Peter K. Rogan Lab, Western University
No classification provided (evidence only). Condition: Thymoma. Review status: no classification provided. Collection method: in vitro. Allele origin: not applicable. Functional consequence: skipped exon. Not counted in ClinVar's aggregate classification.

NM_006466.4(POLR3F):c.317-2A>G

Gene: POLR3F (RNA polymerase III subunit F; plus strand). Cytogenetic location: 20p11.23.
Variant type: single nucleotide variant.
Coding change: c.317-2A>G on transcript NM_006466.4 (MANE Select); the canonical splice acceptor site of the intron before coding-DNA position 317, A replaced by G.
Molecular consequence: splice acceptor variant.
Genome position (GRCh38, 1-based): chr20:18,475,073, A>G. VCF-style: chr20-18475073-A-G. GRCh37 (hg19) VCF-style: chr20-18455717-A-G.
Other names: c.194-2A>G (NM_001282526.2); c.317-2A>G (NM_001410821.1, NM_006466.3).
Identifiers: ClinVar variation 2083908 (VCV002083908.6), dbSNP rs201734188, ClinGen allele CA9777512.